The following is an entry in ClinVar:

NM_000231.3(SGCG):c.579-1G>A

Gene: SGCG (sarcoglycan gamma; plus strand). Cytogenetic location: 13q12.12.
Variant type: single nucleotide variant.
Coding change: c.579-1G>A on transcript NM_000231.3 (MANE Select); the canonical splice acceptor site of the intron before coding-DNA position 579, G replaced by A.
Molecular consequence: splice acceptor variant.
Genome position (GRCh38, 1-based): chr13:23,320,636, G>A. VCF-style: chr13-23320636-G-A. GRCh37 (hg19) VCF-style: chr13-23894775-G-A.
Other names: c.633-1G>A (NM_001378244.1); c.579-1G>A (NM_001378245.1, NM_001378246.1).
Identifiers: ClinVar variation 2678712 (VCV002678712.4), dbSNP rs1883001175, ClinGen allele CA387502412.

ClinVar aggregate classification (germline): Likely pathogenic. Review status: criteria provided, multiple submitters, no conflicts (2 of 4 stars). 2 submissions from 2 submitters: Likely pathogenic (2). Last evaluated 2024-01-11.

Conditions:
Autosomal recessive limb-girdle muscular dystrophy type 2C (LGMDR5). Also called: MUSCULAR DYSTROPHY, DUCHENNE-LIKE; MUSCULAR DYSTROPHY, LIMB-GIRDLE, AUTOSOMAL RECESSIVE 5. Identifiers: Orphanet 353, MedGen C0410173, MONDO:0009677, OMIM 253700. Disease mechanism: Affects gamma-sarcoglycan and also disrupts the integrity of the entire sarcoglycan complex..

Submissions (2):

Labcorp Genetics (formerly Invitae), Labcorp
Classification: Likely pathogenic for Autosomal recessive limb-girdle muscular dystrophy type 2C. Last evaluated: 2024-01-11. Review status: criteria provided, single submitter. Criteria: Invitae Variant Classification Sherloc (09022015). Collection method: clinical testing. Allele origin: germline.
Comment: This sequence change affects an acceptor splice site in intron 6 of the SGCG gene. It is expected to disrupt RNA splicing. Variants that disrupt the donor or acceptor splice site typically lead to a loss of protein function (PMID: 16199547), and loss-of-function variants in SGCG are known to be pathogenic (PMID: 18285821). This variant is not present in population databases (gnomAD no frequency). This variant has not been reported in the literature in individuals affected with SGCG-related conditions. Algorithms developed to predict the effect of sequence changes on RNA splicing suggest that this variant may disrupt the consensus splice site. In summary, the currently available evidence indicates that the variant is pathogenic, but additional data are needed to prove that conclusively. Therefore, this variant has been classified as Likely Pathogenic.

Baylor Genetics
Classification: Likely pathogenic for Autosomal recessive limb-girdle muscular dystrophy type 2C. Last evaluated: 2023-01-21. Review status: criteria provided, single submitter. Criteria: ACMG Guidelines, 2015. Collection method: clinical testing. Allele origin: unknown.

Literature cited by the submitters: PubMed 16199547 (cited by Labcorp Genetics (formerly Invitae), Labcorp); PubMed 18285821 (cited by Labcorp Genetics (formerly Invitae), Labcorp).